The following is an entry in ClinVar:

ClinVar aggregate classification (germline): Uncertain significance (1 of 4 stars; one submission).

Submission:

Labcorp Genetics (formerly Invitae), Labcorp
Classification: Uncertain significance. Last evaluated: 2022-08-02. Review status: criteria provided, single submitter. Criteria: Invitae Variant Classification Sherloc (09022015). Collection method: clinical testing. Allele origin: germline.
Comment: This variant occurs in the RNU4ATAC gene, which encodes an RNA molecule that does not result in a protein product. This variant is present in population databases (rs761483970, gnomAD 0.03%). This variant has not been reported in the literature in individuals affected with RNU4ATAC-related conditions. ClinVar contains an entry for this variant (Variation ID: 1504010). Experimental studies and prediction algorithms are not available or were not evaluated, and the functional significance of this variant is currently unknown. In summary, the available evidence is currently insufficient to determine the role of this variant in disease. Therefore, it has been classified as a Variant of Uncertain Significance.

NR_023343.3(RNU4ATAC):n.19dup

Genes: CLASP1 (cytoplasmic linker associated protein 1; minus strand), CLASP1-AS1 (CLASP1 antisense RNA 1; plus strand), RNU4ATAC (RNA, U4atac small nuclear; plus strand). Cytogenetic location: 2q14.2.
Variant type: Duplication.
Molecular consequence: intron variant (on NM_001395891.1).
Genome position: GRCh38 VCF-style: chr2-121530894-T-TG. GRCh37 (hg19) VCF-style: chr2-122288470-T-TG.
Other names: c.196-570dup (NM_001142274.2, NM_015282.3, NM_001378003.1 and 5 more transcripts).
Identifiers: ClinVar variation 1504010 (VCV001504010.4), dbSNP rs761483970, ClinGen allele CA1854681.